The following is an entry in ClinVar:

ClinVar aggregate classification (germline): Uncertain significance (1 of 4 stars; one submission).

Conditions:
Hyperkalemic periodic paralysis. Also called: Familial hyperkalemic periodic paralysis; Gamstorp disease. Identifiers: Orphanet 682, MedGen C0238357, MONDO:0008224, OMIM 170500, HP:0007215.

Allele frequency attached by ClinVar (database versions not stated): gnomAD exomes below 0.00001.
gnomAD v4.1: 1 of 1,612,488 alleles (0.000062%); highest among the groups gnomAD compares: Non-Finnish European, 0.000085%; no homozygotes.

Submission:

Labcorp Genetics (formerly Invitae), Labcorp
Classification: Uncertain significance for Hyperkalemic periodic paralysis. Last evaluated: 2021-01-02. Review status: criteria provided, single submitter. Criteria: Invitae Variant Classification Sherloc (09022015). Collection method: clinical testing. Allele origin: germline.
Comment: This variant has not been reported in the literature in individuals with SCN4A-related conditions. In summary, the available evidence is currently insufficient to determine the role of this variant in disease. Therefore, it has been classified as a Variant of Uncertain Significance. Algorithms developed to predict the effect of missense changes on protein structure and function are either unavailable or do not agree on the potential impact of this missense change (SIFT: "Deleterious"; PolyPhen-2: "Benign"; Align-GVGD: "Class C55"). This variant is not present in population databases (ExAC no frequency). This sequence change replaces lysine with glutamic acid at codon 158 of the SCN4A protein (p.Lys158Glu). The lysine residue is highly conserved and there is a small physicochemical difference between lysine and glutamic acid.

NM_000334.4(SCN4A):c.472A>G (p.Lys158Glu)

Gene: SCN4A (sodium voltage-gated channel alpha subunit 4; minus strand). Cytogenetic location: 17q23.3.
Variant type: single nucleotide variant.
Coding change: c.472A>G on transcript NM_000334.4 (MANE Select); coding-DNA position 472, A replaced by G.
Protein change: p.Lys158Glu; replaces lysine 158 with glutamic acid.
Molecular consequence: missense variant.
Genome position (GRCh38, 1-based): chr17:63,972,146, T>C on the plus strand (A>G on the coding strand, the complement: SCN4A is on the minus strand). VCF-style: chr17-63972146-T-C. GRCh37 (hg19) VCF-style: chr17-62049506-T-C.
Other names: short protein forms K158E.
Identifiers: ClinVar variation 1514002 (VCV001514002.8), dbSNP rs1555604989, ClinGen allele CA400639455.